The following is an entry in ClinVar:

NM_004637.6(RAB7A):c.179A>G (p.Gln60Arg)

Gene: RAB7A (RAB7A, member RAS oncogene family; plus strand). Cytogenetic location: 3q21.3.
Variant type: single nucleotide variant.
Coding change: c.179A>G on transcript NM_004637.6 (MANE Select); coding-DNA position 179, A replaced by G.
Protein change: p.Gln60Arg; replaces glutamine 60 with arginine.
Molecular consequence: missense variant.
Genome position (GRCh38, 1-based): chr3:128,798,068, A>G. VCF-style: chr3-128798068-A-G. GRCh37 (hg19) VCF-style: chr3-128516911-A-G.
Other names: short protein forms Q60R.
Identifiers: ClinVar variation 3674839 (VCV003674839.2).

ClinVar aggregate classification (germline): Uncertain significance (1 of 4 stars; one submission).

Conditions:
Charcot-Marie-Tooth disease type 2B (CMT2B). Also called: HEREDITARY MOTOR AND SENSORY NEUROPATHY IIB; CHARCOT-MARIE-TOOTH DISEASE, AXONAL, TYPE 2B; CHARCOT-MARIE-TOOTH DISEASE, AUTOSOMAL DOMINANT, TYPE 2B; Charcot-Marie-Tooth Neuropathy Type 2B. Identifiers: Orphanet 99936, MedGen C1833219, MONDO:0010949, OMIM 600882.

Submission:

Labcorp Genetics (formerly Invitae), Labcorp
Classification: Uncertain significance for Charcot-Marie-Tooth disease type 2B. Last evaluated: 2024-03-16. Review status: criteria provided, single submitter. Criteria: Invitae Variant Classification Sherloc (09022015). Collection method: clinical testing. Allele origin: germline.
Comment: This sequence change replaces glutamine, which is neutral and polar, with arginine, which is basic and polar, at codon 60 of the RAB7A protein (p.Gln60Arg). This variant is not present in population databases (gnomAD no frequency). This variant has not been reported in the literature in individuals affected with RAB7A-related conditions. An algorithm developed to predict the effect of missense changes on protein structure and function (PolyPhen-2) suggests that this variant is likely to be disruptive. In summary, the available evidence is currently insufficient to determine the role of this variant in disease. Therefore, it has been classified as a Variant of Uncertain Significance.